The following is an entry in ClinVar:

NM_015443.4(KANSL1):c.849G>A (p.Arg283=)

Gene: KANSL1 (KAT8 regulatory NSL complex subunit 1). Cytogenetic location: 17q21.31.
Variant type: single nucleotide variant.
Coding change: c.849G>A on transcript NM_015443.4 (MANE Select); coding-DNA position 849, G replaced by A.
Protein change: p.Arg283=; no amino-acid change (arginine 283 retained).
Molecular consequence: synonymous variant.
Genome position (GRCh38, 1-based): chr17:46,171,295, C>T on the plus strand (G>A on the coding strand, the complement: KANSL1 is on the minus strand). VCF-style: chr17-46171295-C-T. GRCh37 (hg19) VCF-style: chr17-44248661-C-T.
Other names: p.R283R:AGG>AGA; c.849G>A, p.Arg283= (NM_001193465.2, NM_001193466.2, NM_001379198.1).
Identifiers: ClinVar variation 205778 (VCV000205778.11), dbSNP rs754362361, ClinGen allele CA315182.

ClinVar aggregate classification (germline): Benign/Likely benign. Review status: criteria provided, multiple submitters, no conflicts (2 of 4 stars). 2 submissions from 2 submitters: Benign (1); Likely benign (1). Last evaluated 2023-08-04.

Conditions:
Koolen-de Vries syndrome (KDVS). Identifiers: Orphanet 96169, MedGen C1864871, MONDO:0012496, OMIM 610443.

Allele frequency attached by ClinVar (database versions not stated): ExAC 0.00011; gnomAD 0.00011; gnomAD exomes 0.00009.
gnomAD v4.1: 143 of 1,614,120 alleles (0.0089%); highest among the groups gnomAD compares: Middle Eastern, 0.016%; no homozygotes.

Submissions (2):

Labcorp Genetics (formerly Invitae), Labcorp
Classification: Likely benign for Koolen-de Vries syndrome. Last evaluated: 2023-08-04. Review status: criteria provided, single submitter. Criteria: Invitae Variant Classification Sherloc (09022015). Collection method: clinical testing. Allele origin: germline.

GeneDx
Classification: Benign. Last evaluated: 2014-08-22. Review status: criteria provided, single submitter. Criteria: GeneDx Variant Classification (06012015). Collection method: clinical testing. Allele origin: germline. Affected: yes.
Comment: This variant is considered likely benign or benign based on one or more of the following criteria: it is a conservative change, it occurs at a poorly conserved position in the protein, it is predicted to be benign by multiple in silico algorithms, and/or has population frequency not consistent with disease.